The following is an entry in ClinVar:

ClinVar aggregate classification (germline): Pathogenic (1 of 4 stars; one submission).

Submission:

Labcorp Genetics (formerly Invitae), Labcorp
Classification: Pathogenic. Last evaluated: 2025-03-18. Review status: criteria provided, single submitter. Criteria: Invitae Variant Classification Sherloc (09022015). Collection method: clinical testing. Allele origin: germline.
Comment: This sequence change creates a premature translational stop signal (p.Asn85Lysfs*2) in the PIH1D3 gene. It is expected to result in an absent or disrupted protein product. Loss-of-function variants in PIH1D3 are known to be pathogenic (PMID: 28041644, 28176794). This variant is not present in population databases (gnomAD no frequency). This variant has not been reported in the literature in individuals affected with PIH1D3-related conditions. For these reasons, this variant has been classified as Pathogenic.

Literature cited by the submitters: PubMed 28041644; PubMed 28176794.

NM_173494.2(DNAAF6):c.251_254dup (p.Asn85delinsLysTer)

Gene: DNAAF6 (dynein axonemal assembly factor 6; plus strand). Cytogenetic location: Xq22.3.
Variant type: Duplication.
Coding change: c.251_254dup on transcript NM_173494.2 (MANE Select); coding-DNA positions 251 to 254, 4 bases duplicated (ATAA; older notation c.251_254dupATAA).
Protein change: p.Asn85delinsLysTer.
Molecular consequence: nonsense.
Genome position (GRCh38, 1-based): chrX:107,218,888-107,218,891, ATAA duplicated; duplicating any 4 consecutive bases within chrX:107,218,886-107,218,891 gives the same sequence; the c. name uses the placement nearest the transcript's 3' end. VCF-style (leftmost placement, unchanged base first): chrX-107218885-A-AAAAT. GRCh37 (hg19) VCF-style: chrX-106462115-A-AAAAT.
Other names: c.251_254dup, p.Asn85delinsLysTer (NM_001169154.2).
Identifiers: ClinVar variation 4715290 (VCV004715290.1).